The following is an entry in ClinVar:

ClinVar aggregate classification (germline): Likely benign. Review status: criteria provided, multiple submitters, no conflicts (2 of 4 stars). 3 submissions from 3 submitters: Likely benign (3). Last evaluated 2026-03-01.

Conditions:
Malignant hyperthermia, susceptibility to, 1 (MHS1). Also called: RYR1-Related Malignant Hyperthermia Susceptibility; Anesthesia related hyperthermia; Malignant hyperpyrexia; Fulminating hyperpyrexia; Pharmacogenic myopathy; Malignant hyperthermia suceptibility 1. Identifiers: Orphanet 423, MedGen C2930980, MONDO:0007783, OMIM 145600.
RYR1-related disorder. Also called: RYR1-related condition; RYR1-related disorders. Identifiers: MedGen CN239331.

Allele frequency attached by ClinVar (database versions not stated): gnomAD 0.00001; TOPMed 0.00001; gnomAD exomes 0.00002; ExAC 0.00003.
gnomAD v4.1: 26 of 1,613,858 alleles (0.0016%); highest among the groups gnomAD compares: Middle Eastern, 0.099%; no homozygotes.

Submissions (3):

CeGaT Center for Human Genetics Tuebingen
Classification: Likely benign. Last evaluated: 2026-03-01. Review status: criteria provided, single submitter. Criteria: CeGaT Center For Human Genetics Tuebingen Variant Classification Criteria Version 2. Collection method: clinical testing. Allele origin: germline. Affected: yes. Observed: 3 variant alleles.
Comment: RYR1: BP4, BP7

Labcorp Genetics (formerly Invitae), Labcorp
Classification: Likely benign for RYR1-related disorder. Last evaluated: 2025-09-05. Review status: criteria provided, single submitter. Criteria: Invitae Variant Classification Sherloc (09022015). Collection method: clinical testing. Allele origin: germline.

Color Diagnostics, LLC DBA Color Health
Classification: Likely benign for Malignant hyperthermia, susceptibility to, 1. Last evaluated: 2022-11-06. Review status: criteria provided, single submitter. Criteria: ACMG Guidelines, 2015. Collection method: clinical testing. Allele origin: germline.

NM_000540.3(RYR1):c.10530C>T (p.Ile3510=)

Gene: RYR1 (ryanodine receptor 1; plus strand). Cytogenetic location: 19q13.2.
Variant type: single nucleotide variant.
Coding change: c.10530C>T on transcript NM_000540.3 (MANE Select); coding-DNA position 10530, C replaced by T.
Protein change: p.Ile3510=; no amino-acid change (isoleucine 3510 retained).
Molecular consequence: synonymous variant.
Genome position (GRCh38, 1-based): chr19:38,525,406, C>T. VCF-style: chr19-38525406-C-T. GRCh37 (hg19) VCF-style: chr19-39016046-C-T.
Other names: c.10515C>T, p.Ile3505= (NM_001042723.2).
Identifiers: ClinVar variation 870940 (VCV000870940.44), dbSNP rs760656697, ClinGen allele CA053955.